The following is an entry in ClinVar:

ClinVar aggregate classification (germline): Uncertain significance. Review status: criteria provided, multiple submitters, no conflicts (2 of 4 stars). 2 submissions from 2 submitters: Uncertain significance (2). Last evaluated 2023-01-30.

Conditions:
DKC1-related disorder. Also called: DKC1-related condition. Identifiers: MedGen CN294808, MONDO:0100152.
Dyskeratosis congenita. Identifiers: Orphanet 1775, MedGen C0265965, MONDO:0015780.

Allele frequency attached by ClinVar (database versions not stated): TOPMed below 0.00001; gnomAD 0.00001.
gnomAD v4.1: 1 of 1,210,110 alleles (0.000083%); highest among the groups gnomAD compares: Non-Finnish European, 0.00011%; no homozygotes.

Submissions (2):

PreventionGenetics, part of Exact Sciences
Classification: Uncertain significance for DKC1-related condition. Last evaluated: 2023-01-30. Review status: criteria provided, single submitter. Criteria: ACMG Guidelines, 2015. Collection method: clinical testing. Allele origin: germline.
Comment: The DKC1 c.1210C>G variant is predicted to result in the amino acid substitution p.Pro404Ala. To our knowledge, this variant has not been reported in the literature or in a large population database, indicating this variant is rare. At this time, the clinical significance of this variant is uncertain due to the absence of conclusive functional and genetic evidence.

Labcorp Genetics (formerly Invitae), Labcorp
Classification: Uncertain significance for Dyskeratosis congenita. Last evaluated: 2021-08-31. Review status: criteria provided, single submitter. Criteria: Invitae Variant Classification Sherloc (09022015). Collection method: clinical testing. Allele origin: germline.
Comment: This sequence change replaces proline with alanine at codon 404 of the DKC1 protein (p.Pro404Ala). The proline residue is highly conserved and there is a small physicochemical difference between proline and alanine. This variant is not present in population databases (ExAC no frequency). This variant has not been reported in the literature in individuals affected with DKC1-related conditions. Algorithms developed to predict the effect of missense changes on protein structure and function output the following: SIFT: "Tolerated"; PolyPhen-2: "Benign"; Align-GVGD: "Class C0". The alanine amino acid residue is found in multiple mammalian species, which suggests that this missense change does not adversely affect protein function. In summary, the available evidence is currently insufficient to determine the role of this variant in disease. Therefore, it has been classified as a Variant of Uncertain Significance.

NM_001363.5(DKC1):c.1210C>G (p.Pro404Ala)

Gene: DKC1 (dyskerin pseudouridine synthase 1; plus strand). Cytogenetic location: Xq28.
Variant type: single nucleotide variant.
Coding change: c.1210C>G on transcript NM_001363.5 (MANE Select); coding-DNA position 1210, C replaced by G.
Protein change: p.Pro404Ala; replaces proline 404 with alanine.
Molecular consequence: missense variant. On other transcripts: non-coding transcript variant (3).
Genome position (GRCh38, 1-based): chrX:154,774,656, C>G. VCF-style: chrX-154774656-C-G. GRCh37 (hg19) VCF-style: chrX-154002931-C-G.
Other names: c.1210C>G, p.Pro404Ala (NM_001142463.3, NM_001288747.2); short protein forms P404A.
Identifiers: ClinVar variation 967191 (VCV000967191.7), dbSNP rs1347625639, ClinGen allele CA414898167.